The following is an entry in ClinVar:

NM_012086.5(GTF3C3):c.1994G>C (p.Arg665Pro)

Gene: GTF3C3 (general transcription factor IIIC subunit 3; minus strand). Cytogenetic location: 2q33.1.
Variant type: single nucleotide variant.
Coding change: c.1994G>C on transcript NM_012086.5 (MANE Select); coding-DNA position 1994, G replaced by C.
Protein change: p.Arg665Pro; replaces arginine 665 with proline.
Molecular consequence: missense variant.
Genome position (GRCh38, 1-based): chr2:196,772,991, C>G on the plus strand (G>C on the coding strand, the complement: GTF3C3 is on the minus strand). VCF-style: chr2-196772991-C-G. GRCh37 (hg19) VCF-style: chr2-197637715-C-G.
Other names: short protein forms R665P.
Identifiers: ClinVar variation 5016994 (VCV005016994.1).

ClinVar aggregate classification (germline): Uncertain significance (1 of 4 stars; one submission).

Submission:

GeneDx
Classification: Uncertain significance. Last evaluated: 2026-03-24. Review status: criteria provided, single submitter. Criteria: GeneDx Variant Classification Process June 2021. Collection method: clinical testing. Allele origin: germline.
Comment: Not observed at significant frequency in large population cohorts (gnomAD); In silico analysis suggests that this missense variant does not alter protein structure/function; Has not been previously published as pathogenic or benign to our knowledge